The following is an entry in ClinVar:

NM_001371986.1(UNC80):c.8589G>A (p.Ala2863=)

Gene: UNC80 (unc-80 subunit of NALCN channel complex; plus strand). Cytogenetic location: 2q34.
Variant type: single nucleotide variant.
Coding change: c.8589G>A on transcript NM_001371986.1 (MANE Select); coding-DNA position 8589, G replaced by A.
Protein change: p.Ala2863=; no amino-acid change (alanine 2863 retained).
Molecular consequence: synonymous variant.
Genome position (GRCh38, 1-based): chr2:209,976,120, G>A. VCF-style: chr2-209976120-G-A. GRCh37 (hg19) VCF-style: chr2-210840844-G-A.
Other names: c.8391G>A, p.Ala2797= (NM_032504.2); c.8376G>A, p.Ala2792= (NM_182587.4).
Identifiers: ClinVar variation 791886 (VCV000791886.17), dbSNP rs192024023, ClinGen allele CA2083584.

ClinVar aggregate classification (germline): Benign/Likely benign. Review status: criteria provided, multiple submitters, no conflicts (2 of 4 stars). 6 submissions from 6 submitters: Benign (3); Likely benign (2). 1 of the submissions does not count toward it. Last evaluated 2026-02-03.

Conditions:
UNC80-related disorder. Also called: UNC80-related condition.
Hypotonia, infantile, with psychomotor retardation and characteristic facies 2 (IHPRF2). Also called: UNC80 Deficiency. Identifiers: Orphanet 371364, Orphanet 700333, MedGen C4225203, MONDO:0014777, OMIM 616801.

Allele frequency attached by ClinVar (database versions not stated): gnomAD exomes 0.00045 and 0.00070; ExAC 0.00090; ESP Exome Variant Server 0.00175; 1000 Genomes Project 30x 0.00297; gnomAD 0.00328 and 0.00357; 1000 Genomes Project 0.00339; TOPMed 0.00400.
gnomAD v4.1: 1,148 of 1,550,594 alleles (0.074%); highest among the groups gnomAD compares: African/African-American, 1.2%; 4 homozygotes.

Submissions (6):

Labcorp Genetics (formerly Invitae), Labcorp
Classification: Benign. Last evaluated: 2026-02-03. Review status: criteria provided, single submitter. Criteria: Invitae Variant Classification Sherloc (09022015). Collection method: clinical testing. Allele origin: germline.

Blueprint Genetics
Classification: Likely benign. Last evaluated: 2024-09-18. Review status: criteria provided, single submitter. Criteria: ACMG Guidelines, 2015. Collection method: clinical testing. Allele origin: germline.

ARUP Laboratories, Molecular Genetics and Genomics, ARUP Laboratories
Classification: Benign for Hypotonia, infantile, with psychomotor retardation and characteristic facies 2. Last evaluated: 2024-06-06. Review status: criteria provided, single submitter. Criteria: ARUP Molecular Germline Variant Investigation Process 2024. Collection method: clinical testing. Allele origin: germline.

Fulgent Genetics
Classification: Likely benign for Hypotonia, infantile, with psychomotor retardation and characteristic facies 2. Last evaluated: 2022-04-06. Review status: criteria provided, single submitter. Criteria: ACMG Guidelines, 2015. Collection method: clinical testing. Allele origin: unknown.

Breakthrough Genomics
Classification: Benign. Review status: criteria provided, single submitter. Criteria: ACMG Guidelines, 2015. Collection method: not provided. Allele origin: germline. Inheritance: Autosomal recessive inheritance. Affected: yes.

PreventionGenetics, part of Exact Sciences
Classification: Benign for UNC80-related condition. Last evaluated: 2022-10-21. Review status: no assertion criteria provided. Collection method: clinical testing. Allele origin: germline. Not counted in ClinVar's aggregate classification.
Comment: This variant is classified as benign based on ACMG/AMP sequence variant interpretation guidelines (Richards et al. 2015 PMID: 25741868, with internal and published modifications).